The following is an entry in ClinVar:

ClinVar aggregate classification (germline): Conflicting classifications of pathogenicity. Review status: criteria provided, conflicting classifications (1 of 4 stars). 5 submissions from 5 submitters: Uncertain significance (4); Likely benign (1). Last evaluated 2025-10-30.

Conditions:
Tuberous sclerosis syndrome (TSC). Also called: Tuberous Sclerosis Complex; Tuberous sclerosis. Identifiers: Orphanet 805, MedGen C0041341, MONDO:0001734.
Hereditary cancer-predisposing syndrome. Also called: Hereditary neoplastic syndrome; Tumor predisposition; Hereditary Cancer Syndrome; Neoplastic Syndromes, Hereditary. Identifiers: Orphanet 140162, MedGen C0027672, MeSH D009386, MONDO:0015356.
Isolated focal cortical dysplasia type II (FCORD2). Also called: Focal cortical dysplasia type II; CORTICAL DYSPLASIA OF TAYLOR. Identifiers: Orphanet 268994, MedGen C1846385, MONDO:0011818, OMIM 607341, HP:0032051.
Tuberous sclerosis 2 (TSC2). Identifiers: Orphanet 805, MedGen C1860707, MONDO:0013199, OMIM 613254.

gnomAD v4.1: 2 of 1,612,758 alleles (0.00012%); highest among the groups gnomAD compares: Admixed American, 0.0017%; no homozygotes.

Submissions (5):

Ambry Genetics
Classification: Uncertain significance for Hereditary cancer-predisposing syndrome. Last evaluated: 2025-10-30. Review status: criteria provided, single submitter. Criteria: Ambry Variant Classification Scheme 2023. Collection method: clinical testing. Allele origin: germline.
Comment: The p.P1538Q variant (also known as c.4613C>A), located in coding exon 35 of the TSC2 gene, results from a C to A substitution at nucleotide position 4613. The proline at codon 1538 is replaced by glutamine, an amino acid with similar properties. This amino acid position is highly conserved in available vertebrate species. In addition, this alteration is predicted to be deleterious by in silico analysis. Since supporting evidence is limited at this time, the clinical significance of this alteration remains unclear.

Labcorp Genetics (formerly Invitae), Labcorp
Classification: Likely benign for Tuberous sclerosis 2. Last evaluated: 2025-07-17. Review status: criteria provided, single submitter. Criteria: Invitae Variant Classification Sherloc (09022015). Collection method: clinical testing. Allele origin: germline.

Baylor Genetics
Classification: Uncertain significance for Isolated focal cortical dysplasia type II. Last evaluated: 2023-12-11. Review status: criteria provided, single submitter. Criteria: ACMG Guidelines, 2015. Collection method: clinical testing. Allele origin: unknown.

All of Us Research Program, National Institutes of Health
Classification: Uncertain significance for Tuberous sclerosis syndrome. Last evaluated: 2023-10-02. Review status: criteria provided, single submitter. Criteria: ACMG Guidelines, 2015. Collection method: clinical testing. Allele origin: germline. Inheritance: Autosomal dominant inheritance. Observed: 2 variant alleles, 2 heterozygotes.
Comment: This missense variant replaces proline with glutamine at codon 1538 of the TSC2 protein. Computational prediction suggests that this variant may have deleterious impact on protein structure and function (internally defined REVEL score threshold >= 0.7, PMID: 27666373). To our knowledge, functional studies have not been reported for this variant. This variant has not been reported in individuals affected with TSC2-related disorders in the literature. This variant has been identified in 2/250006 chromosomes in the general population by the Genome Aggregation Database (gnomAD). The available evidence is insufficient to determine the role of this variant in disease conclusively. Therefore, this variant is classified as a Variant of Uncertain Significance.

This study involves interpretation of variants in research participants for the purpose of population health screening. Participant phenotype was not available at the time of variant classification. Additional details can be found in publication PMID: 35346344, PMCID: PMC8962531

GeneDx
Classification: Uncertain significance. Last evaluated: 2022-07-26. Review status: criteria provided, single submitter. Criteria: GeneDx Variant Classification Process June 2021. Collection method: clinical testing. Allele origin: germline. Affected: yes.
Comment: In silico analysis supports that this missense variant has a deleterious effect on protein structure/function; Has not been previously published as pathogenic or benign to our knowledge

NM_000548.5(TSC2):c.4613C>A (p.Pro1538Gln)

Gene: TSC2 (TSC complex subunit 2; plus strand). Cytogenetic location: 16p13.3.
Variant type: single nucleotide variant.
Coding change: c.4613C>A on transcript NM_000548.5 (MANE Select); coding-DNA position 4613, C replaced by A.
Protein change: p.Pro1538Gln; replaces proline 1538 with glutamine.
Molecular consequence: missense variant.
Genome position (GRCh38, 1-based): chr16:2,085,273, C>A. VCF-style: chr16-2085273-C-A. GRCh37 (hg19) VCF-style: chr16-2135274-C-A.
Other names: c.4412C>A, p.Pro1471Gln (NM_001077183.3); c.4544C>A, p.Pro1515Gln (NM_001114382.3); c.4304C>A, p.Pro1435Gln (NM_001318827.2); c.4268C>A, p.Pro1423Gln (NM_001318829.2); c.3881C>A, p.Pro1294Gln (NM_001318831.2); c.4445C>A, p.Pro1482Gln (NM_001318832.2); c.4415C>A, p.Pro1472Gln (NM_001363528.2); c.4481C>A, p.Pro1494Gln (NM_001370404.1); and 1 more; short protein forms P1538Q, P1423Q, P1472Q, P1495Q, P1294Q, P1435Q, P1471Q, P1482Q.
Identifiers: ClinVar variation 579379 (VCV000579379.19), dbSNP rs753060862, ClinGen allele CA394304708.